The following is an entry in ClinVar:

NM_004104.5(FASN):c.2569C>T (p.Pro857Ser)

Gene: FASN (fatty acid synthase; minus strand). Cytogenetic location: 17q25.3.
Variant type: single nucleotide variant.
Coding change: c.2569C>T on transcript NM_004104.5 (MANE Select); coding-DNA position 2569, C replaced by T.
Protein change: p.Pro857Ser; replaces proline 857 with serine.
Molecular consequence: missense variant.
Genome position (GRCh38, 1-based): chr17:82,088,414, G>A on the plus strand (C>T on the coding strand, the complement: FASN is on the minus strand). VCF-style: chr17-82088414-G-A. GRCh37 (hg19) VCF-style: chr17-80046290-G-A.
Other names: short protein forms P857S.
Identifiers: ClinVar variation 1413992 (VCV001413992.8), dbSNP rs747653984, ClinGen allele CA8852744.

ClinVar aggregate classification (germline): Uncertain significance (1 of 4 stars; one submission).

Conditions:
Epileptic encephalopathy. Identifiers: MedGen C0543888, HP:0200134.

Allele frequency attached by ClinVar (database versions not stated): TOPMed below 0.00001; gnomAD 0.00001; ExAC 0.00003; gnomAD exomes 0.00004 and 0.00006.
gnomAD v4.1: 26 of 1,612,202 alleles (0.0016%); highest among the groups gnomAD compares: East Asian, 0.056%; no homozygotes.

Submission:

Labcorp Genetics (formerly Invitae), Labcorp
Classification: Uncertain significance for Epileptic encephalopathy. Last evaluated: 2024-09-27. Review status: criteria provided, single submitter. Criteria: Invitae Variant Classification Sherloc (09022015). Collection method: clinical testing. Allele origin: germline.
Comment: This sequence change replaces proline, which is neutral and non-polar, with serine, which is neutral and polar, at codon 857 of the FASN protein (p.Pro857Ser). This variant is present in population databases (rs747653984, gnomAD 0.08%), and has an allele count higher than expected for a pathogenic variant. This variant has not been reported in the literature in individuals affected with FASN-related conditions. ClinVar contains an entry for this variant (Variation ID: 1413992). An algorithm developed to predict the effect of missense changes on protein structure and function outputs the following: PolyPhen-2: "Benign". The serine amino acid residue is found in multiple mammalian species, which suggests that this missense change does not adversely affect protein function. In summary, the available evidence is currently insufficient to determine the role of this variant in disease. Therefore, it has been classified as a Variant of Uncertain Significance.